The following is an entry in ClinVar:

NM_000032.5(ALAS2):c.1061C>T (p.Thr354Ile)

Gene: ALAS2 (5'-aminolevulinate synthase 2; minus strand). Cytogenetic location: Xp11.21.
Variant type: single nucleotide variant.
Coding change: c.1061C>T on transcript NM_000032.5 (MANE Select); coding-DNA position 1061, C replaced by T.
Protein change: p.Thr354Ile; replaces threonine 354 with isoleucine.
Molecular consequence: missense variant.
Genome position (GRCh38, 1-based): chrX:55,015,685, G>A on the plus strand (C>T on the coding strand, the complement: ALAS2 is on the minus strand). VCF-style: chrX-55015685-G-A. GRCh37 (hg19) VCF-style: chrX-55042118-G-A.
Other names: c.1061C>T, p.Thr354Ile (LRG_1163t1); c.950C>T, p.Thr317Ile (NM_001037967.4); c.1022C>T, p.Thr341Ile (NM_001037968.4); short protein forms T354I, T341I, T317I.
Identifiers: ClinVar variation 384341 (VCV000384341.4), dbSNP rs771871450, ClinGen allele CA10428343.

ClinVar aggregate classification (germline): Uncertain significance. Review status: criteria provided, multiple submitters, no conflicts (2 of 4 stars). 2 submissions from 2 submitters: Uncertain significance (2). Last evaluated 2025-04-24.

Allele frequency attached by ClinVar (database versions not stated): ExAC 0.00001; gnomAD exomes 0.00001 and 0.00002; TOPMed 0.00001.
gnomAD v4.1: 23 of 1,211,217 alleles (0.0019%); highest among the groups gnomAD compares: Middle Eastern, 0.023%; no homozygotes.

Submissions (2):

Labcorp Genetics (formerly Invitae), Labcorp
Classification: Uncertain significance. Last evaluated: 2025-04-24. Review status: criteria provided, single submitter. Criteria: Invitae Variant Classification Sherloc (09022015). Collection method: clinical testing. Allele origin: germline.
Comment: This sequence change replaces threonine, which is neutral and polar, with isoleucine, which is neutral and non-polar, at codon 354 of the ALAS2 protein (p.Thr354Ile). This variant is present in population databases (rs771871450, gnomAD 0.001%). This variant has not been reported in the literature in individuals affected with ALAS2-related conditions. ClinVar contains an entry for this variant (Variation ID: 384341). Invitae Evidence Modeling of protein sequence and biophysical properties (such as structural, functional, and spatial information, amino acid conservation, physicochemical variation, residue mobility, and thermodynamic stability) has been performed for this missense variant. However, the output from this modeling did not meet the statistical confidence thresholds required to predict the impact of this variant on ALAS2 protein function. In summary, the available evidence is currently insufficient to determine the role of this variant in disease. Therefore, it has been classified as a Variant of Uncertain Significance.

GeneDx
Classification: Uncertain significance. Last evaluated: 2016-03-02. Review status: criteria provided, single submitter. Criteria: GeneDx Variant Classification (06012015). Collection method: clinical testing. Allele origin: germline. Affected: yes.
Comment: The T354I variant in the ALAS2 gene has not been reported previously as a pathogenic variant, nor as a benign variant, to our knowledge. The T354I variant was not observed in approximately 6,500 individuals of European and African American ancestry in the NHLBI Exome Sequencing Project, indicating it is not a common benign variant in these populations. The T354I variant is a non-conservative amino acid substitution, which is likely to impact secondary protein structure as these residues differ in polarity, charge, size and/or other properties. This substitution occurs at a position that is conserved across species. In silico analysis predicts this variant is probably damaging to the protein structure/function. We interpret T354I as a variant of uncertain significance.